The following is an entry in ClinVar:

NM_000551.4(VHL):c.133C>G (p.Pro45Ala)

Gene: VHL (von Hippel-Lindau tumor suppressor; plus strand). Cytogenetic location: 3p25.3.
Variant type: single nucleotide variant.
Coding change: c.133C>G on transcript NM_000551.4 (MANE Select); coding-DNA position 133, C replaced by G.
Protein change: p.Pro45Ala; replaces proline 45 with alanine.
Molecular consequence: missense variant.
Genome position (GRCh38, 1-based): chr3:10,141,980, C>G. VCF-style: chr3-10141980-C-G. GRCh37 (hg19) VCF-style: chr3-10183664-C-G.
Other names: c.133C>G, p.Pro45Ala (NM_001354723.2, NM_198156.3); short protein forms P45A.
Identifiers: ClinVar variation 665608 (VCV000665608.13), dbSNP rs1575921452, ClinGen allele CA351748071.
Genomic context (GRCh38, chr3:10,141,980, plus strand): 5'-CCTGAAGAAGACGGCGGGGAGGAGTCGGGCGCCGAGGAGTCCGGCCCGGAAGAGTCCGGC[C>G]CGGAGGAACTGGGCGCCGAGGAGGAGATGGAGGCCGGGCGGCCGCGGCCCGTGCTGCGCT-3'
Protein context (NP_000542.1, residues 35-55): AEESGPEESG[Pro45Ala]EELGAEEEME

ClinVar aggregate classification (germline): Conflicting classifications of pathogenicity. Review status: criteria provided, conflicting classifications (1 of 4 stars). 2 submissions from 2 submitters: Uncertain significance (1); Likely benign (1). Last evaluated 2026-06-05.

Conditions:
Chuvash polycythemia. Also called: POLYCYTHEMIA, VHL-DEPENDENT. Identifiers: Orphanet 238557, MedGen C1837915, MONDO:0009892, OMIM 263400.
Von Hippel-Lindau syndrome (VHLS). Also called: VHL syndrome; Von Hippel-Lindau; von Hippel–Lindau syndrome. Identifiers: Orphanet 892, MedGen C0019562, MONDO:0008667, OMIM 193300. Disease mechanism: loss of function.
Hereditary cancer-predisposing syndrome. Also called: Neoplastic Syndromes, Hereditary; Hereditary neoplastic syndrome; Hereditary Cancer Syndrome; Tumor predisposition. Identifiers: Orphanet 140162, MedGen C0027672, MeSH D009386, MONDO:0015356.

gnomAD v4.1: 2 of 1,565,548 alleles (0.00013%); highest among the groups gnomAD compares: Non-Finnish European, 0.000086%; no homozygotes.

Submissions (2):

Ambry Genetics
Classification: Likely benign for Hereditary cancer-predisposing syndrome. Last evaluated: 2026-06-05. Review status: criteria provided, single submitter. Criteria: Ambry Variant Classification Scheme 2023. Collection method: clinical testing. Allele origin: germline.

Labcorp Genetics (formerly Invitae), Labcorp
Classification: Uncertain significance for Von Hippel-Lindau syndrome; Chuvash polycythemia. Last evaluated: 2024-04-15. Review status: criteria provided, single submitter. Criteria: Invitae Variant Classification Sherloc (09022015). Collection method: clinical testing. Allele origin: germline.
Comment: This sequence change replaces proline, which is neutral and non-polar, with alanine, which is neutral and non-polar, at codon 45 of the VHL protein (p.Pro45Ala). This variant is not present in population databases (gnomAD no frequency). This variant has not been reported in the literature in individuals affected with VHL-related conditions. ClinVar contains an entry for this variant (Variation ID: 665608). Advanced modeling of protein sequence and biophysical properties (such as structural, functional, and spatial information, amino acid conservation, physicochemical variation, residue mobility, and thermodynamic stability) performed at Invitae indicates that this missense variant is not expected to disrupt VHL protein function with a negative predictive value of 95%. In summary, the available evidence is currently insufficient to determine the role of this variant in disease. Therefore, it has been classified as a Variant of Uncertain Significance.

Literature cited by the submitters: PubMed 38969834 (cited by Ambry Genetics).